The following is an entry in ClinVar:

NM_000352.6(ABCC8):c.1666C>T (p.Leu556Phe)

Gene: ABCC8 (ATP binding cassette subfamily C member 8; minus strand). Cytogenetic location: 11p15.1.
Variant type: single nucleotide variant.
Coding change: c.1666C>T on transcript NM_000352.6 (MANE Select); coding-DNA position 1666, C replaced by T.
Protein change: p.Leu556Phe; replaces leucine 556 with phenylalanine.
Molecular consequence: missense variant. On other transcripts: non-coding transcript variant (1).
Genome position (GRCh38, 1-based): chr11:17,432,209, G>A on the plus strand (C>T on the coding strand, the complement: ABCC8 is on the minus strand). VCF-style: chr11-17432209-G-A. GRCh37 (hg19) VCF-style: chr11-17453756-G-A.
Other names: c.1666C>T, p.Leu556Phe (NM_001287174.3, NM_001351295.2); c.1663C>T, p.Leu555Phe (NM_001351296.2, NM_001351297.2); short protein forms L555F, L556F.
Identifiers: ClinVar variation 991050 (VCV000991050.3), dbSNP rs1362268812, ClinGen allele CA379817671.
Genomic context (GRCh38, chr11:17,432,209, plus strand): 5'-CAGACGCCCTCCCCCTCCACCCTACCCCCAAGAGATGGAGAAAGGATCCACTTACTATGA[G>A]GACAGCTGCAATGGGGATGGCCGTGTTCATGAAAACTGCAGAGGAAGCACAGGGAGGCGT-3'
Protein context (NP_000343.2, residues 546-566): MNTAIPIAAV[Leu556Phe]ITFVGHVSFF

ClinVar aggregate classification (germline): Uncertain significance. Review status: criteria provided, multiple submitters, no conflicts (2 of 4 stars). 4 submissions from 3 submitters: Uncertain significance (3). 1 of the submissions does not count toward it. Last evaluated 2021-10-28.

Conditions:
Diabetes mellitus, transient neonatal, 2 (TNDM2). Identifiers: Orphanet 99886, MedGen C1835887, MONDO:0012480, OMIM 610374. Disease mechanism: loss of function.
Type 2 diabetes mellitus. Also called: Type II diabetes mellitus. Identifiers: MedGen C0011860, MeSH D003924, MONDO:0005148, OMIM 125853, HP:0005978.
Diabetes mellitus, permanent neonatal 3. Also called: ABCC8-Related Permanent Neonatal Diabetes Mellitus. Identifiers: MedGen C5394303, MONDO:0030088, OMIM 618857.
Hyperinsulinemic hypoglycemia, familial, 1 (HHF1). Also called: HYPERINSULINISM, FAMILIAL, WITH PANCREATIC NESIDIOBLASTOSIS; HYPOGLYCEMIA, HYPERINSULINEMIC, OF INFANCY; Persistent hyperinsulinemic hypoglycemia of infancy; Persistent Hyperinsulinemia Hypoglycemia of Infancy; NESIDIOBLASTOSIS OF PANCREAS. Identifiers: Orphanet 276575, Orphanet 276598, MedGen C2931832, MONDO:0009734, OMIM 256450.
Leucine-induced hypoglycemia (LIH). Also called: LEUCINE-SENSITIVE HYPOGLYCEMIA OF INFANCY. Identifiers: MedGen C0271714, MONDO:0009415, OMIM 240800.
Transitory neonatal diabetes mellitus. Also called: Transient neonatal diabetes mellitus. Identifiers: MedGen C0342273, MONDO:0020525, HP:0008255.
Maturity-onset diabetes of the young (MODY). Also called: Maturity onset diabetes mellitus in young. Identifiers: Orphanet 552, MedGen C0342276, MONDO:0018911, HP:0004904.
Hereditary hyperinsulinism.

Allele frequency attached by ClinVar (database versions not stated): gnomAD exomes below 0.00001 and 0.00001; gnomAD 0.00001; TOPMed 0.00003.
gnomAD v4.1: 6 of 1,552,868 alleles (0.00039%); highest among the groups gnomAD compares: Non-Finnish European, 0.00052%; no homozygotes.

Submissions (4):

Fulgent Genetics
Classification: Uncertain significance for Type 2 diabetes mellitus; Leucine-induced hypoglycemia; Hyperinsulinemic hypoglycemia, familial, 1; Diabetes mellitus, transient neonatal, 2; Diabetes mellitus, permanent neonatal 3. Last evaluated: 2021-10-28. Review status: criteria provided, single submitter. Criteria: ACMG Guidelines, 2015. Collection method: clinical testing. Allele origin: unknown.

Clinical Genomics, Uppaluri K&H Personalized Medicine Clinic
Classification: Uncertain significance for Transitory neonatal diabetes mellitus. Review status: criteria provided, single submitter. Criteria: K & H Uppaluri Personalized Medicine Clinic Variant Classification & Assertion Criteria_Updated V.1. Collection method: research. Allele origin: somatic. Inheritance: Somatic mutation.
Comment: Mutations in ABCC8 gene are associated with both neonatal diabetes mellitus as well as MODY. Patients with this mutation may have a better response to sulfonylureas. However, no sufficient evidence is found to ascertain the role of this particular variant (rs1362268812) in neonatal diabetes yet.

Clinical Genomics, Uppaluri K&H Personalized Medicine Clinic
Classification: Uncertain significance for Maturity-onset diabetes of the young. Review status: criteria provided, single submitter. Criteria: K & H Uppaluri Personalized Medicine Clinic Variant Classification & Assertion Criteria_Updated V.1. Collection method: research. Allele origin: unknown. Inheritance: Somatic mutation.
Comment: Mutations in ABCC8 gene are associated with both neonatal diabetes mellitus as well as MODY. Patients with this mutation may have a better response to sulfonylureas. However, no sufficient evidence is found to ascertain the role of this particular variant (rs1362268812) in MODY yet.

Natera, Inc.
Classification: Uncertain significance for Hereditary hyperinsulinism. Last evaluated: 2020-04-10. Review status: no assertion criteria provided. Collection method: clinical testing. Allele origin: germline. Not counted in ClinVar's aggregate classification.

Literature cited by the submitters: PubMed 16885549 (cited by Clinical Genomics, Uppaluri K&H Personalized Medicine Clinic); PubMed 21989597 (cited by Clinical Genomics, Uppaluri K&H Personalized Medicine Clinic); PubMed 27538677 (cited by Clinical Genomics, Uppaluri K&H Personalized Medicine Clinic); PubMed 18981553 (cited by Clinical Genomics, Uppaluri K&H Personalized Medicine Clinic); PubMed 32027066 (cited by Clinical Genomics, Uppaluri K&H Personalized Medicine Clinic); PubMed 16613899 (cited by Clinical Genomics, Uppaluri K&H Personalized Medicine Clinic); PubMed 18025408 (cited by Clinical Genomics, Uppaluri K&H Personalized Medicine Clinic); PubMed 32792356 (cited by Clinical Genomics, Uppaluri K&H Personalized Medicine Clinic).